The following is an entry in ClinVar:

ClinVar aggregate classification (germline): Benign (1 of 4 stars; one submission).

Submission:

ISCA site 4
Classification: Benign. Last evaluated: 2011-08-12. Review status: criteria provided, single submitter. Criteria: Kaminsky et al. (Genet Med. 2011). Collection method: clinical testing. Allele origin: unknown. Affected: yes. Observed: 1 variant allele.
Comment: Copy number variation identified through the course of routine clinical cytogenomic testing in postnatal populations. Clinical assertions have been curated as described in Kaminsky et al. 2011.

GRCh38/hg38 13q12.11(chr13:21967730-22503640)x3

Genes: LINC00540 (long intergenic non-protein coding RNA 540; plus strand), LOC112163648 (Sharpr-MPRA regulatory region 8838; plus strand), LOC124849293 (Sharpr-MPRA regulatory region 1095; plus strand), LOC124849294 (Sharpr-MPRA regulatory region 3351; plus strand), LOC126861706 (BRD4-independent group 4 enhancer GRCh37_chr13:22976932-22978131; plus strand) and 7 more. Cytogenetic location: 13q12.11.
Variant type: copy number gain.
Change: copy number 3 (three copies instead of two) of chr13:21,967,730-22,503,640 (535.9 kb, GRCh38 coordinates, 1-based), cytogenetic band 13q12.11.
Identifiers: ClinVar variation 57504 (VCV000057504.1).